The following is an entry in ClinVar:

NM_001330260.2(SCN8A):c.1342-18C>T

Gene: SCN8A (sodium voltage-gated channel alpha subunit 8; plus strand). Cytogenetic location: 12q13.13.
Variant type: single nucleotide variant.
Coding change: c.1342-18C>T on transcript NM_001330260.2 (MANE Select); 18 bases into the intron before coding-DNA position 1342, C replaced by T.
Molecular consequence: intron variant.
Genome position (GRCh38, 1-based): chr12:51,706,404, C>T. VCF-style: chr12-51706404-C-T. GRCh37 (hg19) VCF-style: chr12-52100188-C-T.
Other names: c.1342-18C>T (NM_014191.4, NM_001177984.3, NM_001369788.1).
Identifiers: ClinVar variation 385248 (VCV000385248.5), dbSNP rs763911558, ClinGen allele CA6571249.

ClinVar aggregate classification (germline): Likely benign. Review status: criteria provided, multiple submitters, no conflicts (2 of 4 stars). 2 submissions from 2 submitters: Likely benign (2). Last evaluated 2025-11-15.

Conditions:
Early-infantile DEE. Also called: Early infantile epileptic encephalopathy with suppression bursts; Early infantile epileptic encephalopathy; Ohtahara syndrome. Identifiers: Orphanet 1934, MedGen C0393706, MONDO:0800491.

Allele frequency attached by ClinVar (database versions not stated): gnomAD 0.00001; TOPMed 0.00002; ExAC 0.00004; gnomAD exomes 0.00004.
gnomAD v4.1: 8 of 1,536,612 alleles (0.00052%); highest among the groups gnomAD compares: Admixed American, 0.016%; 1 homozygote.

Submissions (2):

Labcorp Genetics (formerly Invitae), Labcorp
Classification: Likely benign for Early-infantile DEE. Last evaluated: 2025-11-15. Review status: criteria provided, single submitter. Criteria: Invitae Variant Classification Sherloc (09022015). Collection method: clinical testing. Allele origin: germline.

GeneDx
Classification: Likely benign. Last evaluated: 2016-04-07. Review status: criteria provided, single submitter. Criteria: GeneDx Variant Classification (06012015). Collection method: clinical testing. Allele origin: germline. Affected: yes.
Comment: This variant is considered likely benign or benign based on one or more of the following criteria: it is a conservative change, it occurs at a poorly conserved position in the protein, it is predicted to be benign by multiple in silico algorithms, and/or has population frequency not consistent with disease.